The following is an entry in ClinVar:

NM_022725.4(FANCF):c.373G>A (p.Asp125Asn)

Gene: FANCF (FA complementation group F; minus strand). Cytogenetic location: 11p14.3.
Variant type: single nucleotide variant.
Coding change: c.373G>A on transcript NM_022725.4 (MANE Select); coding-DNA position 373, G replaced by A.
Protein change: p.Asp125Asn; replaces aspartic acid 125 with asparagine.
Molecular consequence: missense variant.
Genome position (GRCh38, 1-based): chr11:22,625,438, C>T on the plus strand (G>A on the coding strand, the complement: FANCF is on the minus strand). VCF-style: chr11-22625438-C-T. GRCh37 (hg19) VCF-style: chr11-22646984-C-T.
Other names: short protein forms D125N.
Identifiers: ClinVar variation 134354 (VCV000134354.66), dbSNP rs61752920, ClinGen allele CA159581.

ClinVar aggregate classification (germline): Conflicting classifications of pathogenicity. Review status: criteria provided, conflicting classifications (1 of 4 stars). 11 submissions from 11 submitters: Uncertain significance (1); Benign (3); Likely benign (6). 1 of the submissions does not count toward it. Last evaluated 2026-10-01.

Conditions:
Fanconi anemia (FA). Also called: Fanconi's anemia. Identifiers: Orphanet 84, MedGen C0015625, MeSH D005199, MONDO:0019391.
Fanconi anemia complementation group F. Also called: FANCF-Related Fanconi Anemia. Identifiers: Orphanet 84, MedGen C3469526, MONDO:0011325, OMIM 603467.

Allele frequency attached by ClinVar (database versions not stated): gnomAD exomes 0.00537 and 0.00808; TOPMed 0.00577; gnomAD 0.00587 and 0.00605; ExAC 0.00626; ESP Exome Variant Server 0.00739; 1000 Genomes Project 0.00339; 1000 Genomes Project 30x 0.00344.
gnomAD v4.1: 12,669 of 1,614,104 alleles (0.78%); highest among the groups gnomAD compares: Non-Finnish European, 0.98%; 57 homozygotes.

Submissions (11):

CeGaT Center for Human Genetics Tuebingen
Classification: Likely benign. Last evaluated: 2026-10-01. Review status: criteria provided, single submitter. Criteria: CeGaT Center For Human Genetics Tuebingen Variant Classification Criteria Version 2. Collection method: clinical testing. Allele origin: germline. Affected: yes. Observed: 73 variant alleles.
Comment: FANCF: BS2

Labcorp Genetics (formerly Invitae), Labcorp
Classification: Benign for Fanconi anemia. Last evaluated: 2026-02-01. Review status: criteria provided, single submitter. Criteria: Invitae Variant Classification Sherloc (09022015). Collection method: clinical testing. Allele origin: germline.

Blueprint Genetics
Classification: Likely benign. Last evaluated: 2024-11-22. Review status: criteria provided, single submitter. Criteria: ACMG Guidelines, 2015. Collection method: clinical testing. Allele origin: germline.

ARUP Laboratories, Molecular Genetics and Genomics, ARUP Laboratories
Classification: Likely benign for Fanconi anemia complementation group F. Last evaluated: 2024-08-21. Review status: criteria provided, single submitter. Criteria: ARUP Molecular Germline Variant Investigation Process 2024. Collection method: clinical testing. Allele origin: germline.

Women's Health and Genetics/Laboratory Corporation of America, LabCorp
Classification: Benign. Last evaluated: 2022-02-18. Review status: criteria provided, single submitter. Criteria: LabCorp Variant Classification Summary - May 2015. Collection method: clinical testing. Allele origin: germline.
Comment: Variant summary: FANCF c.373G>A (p.Asp125Asn) results in a conservative amino acid change in the encoded protein sequence. Five of five in-silico tools predict a benign effect of the variant on protein function. The variant allele was found at a frequency of 0.0054 in 249726 control chromosomes, predominantly at a frequency of 0.0098 within the Non-Finnish European subpopulation in the gnomAD database, including 4 homozygotes. The observed variant frequency within Non-Finnish European control individuals in the gnomAD database is approximately 24 fold of the estimated maximal expected allele frequency for a pathogenic variant in FANCF causing Fanconi Anemia phenotype (0.0004), strongly suggesting that the variant is a benign polymorphism found primarily in populations of Non-Finnish European origin. c.373G>A has been reported in the literature in individuals affected with cancer without evidence for causality (example: Martin-Morales_2018) and also healthy controls (Bodian_2010). These reports do not provide unequivocal conclusions about association of the variant with Fanconi Anemia. To our knowledge, no experimental evidence demonstrating an impact on protein function has been reported. Five clinical diagnostic laboratories have submitted clinical-significance assessments for this variant to ClinVar after 2014 and classified the variant as VUS (n=1), benign (n=1), and likely benign (n=3). Based on the evidence outlined above, the variant was classified as benign.

Institute for Clinical Genetics, University Hospital TU Dresden, University Hospital TU Dresden
Classification: Uncertain significance. Last evaluated: 2021-11-03. Review status: criteria provided, single submitter. Criteria: ACMG Guidelines, 2015. Collection method: clinical testing. Allele origin: germline.

Department of Pathology and Laboratory Medicine, Sinai Health System
Classification: Benign for Fanconi anemia complementation group F. Last evaluated: 2021-07-30. Review status: criteria provided, single submitter. Criteria: ACMG Guidelines, 2015. Collection method: research. Allele origin: germline.

Sema4
Classification: Likely benign for Fanconi anemia. Last evaluated: 2021-06-16. Review status: criteria provided, single submitter. Criteria: Sema4 Curation Guidelines. Collection method: curation. Allele origin: germline.

GeneDx
Classification: Likely benign. Last evaluated: 2020-09-22. Review status: criteria provided, single submitter. Criteria: GeneDx Variant Classification Process June 2021. Collection method: clinical testing. Allele origin: germline. Affected: yes.
Comment: This variant is associated with the following publications: (PMID: 24728327)

Illumina Laboratory Services, Illumina
Classification: Likely benign for Fanconi anemia complementation group F. Last evaluated: 2018-01-13. Review status: criteria provided, single submitter. Criteria: ICSL Variant Classification Criteria 13 December 2019. Collection method: clinical testing. Allele origin: germline.
Comment: This variant was observed in the ICSL laboratory as part of a predisposition screen in an ostensibly healthy population. It had not been previously curated by ICSL or reported in the Human Gene Mutation Database (HGMD: prior to June 1st, 2018), and was therefore a candidate for classification through an automated scoring system. Utilizing variant allele frequency, disease prevalence and penetrance estimates, and inheritance mode, an automated score was calculated to assess if this variant is too frequent to cause the disease. Based on the score and internal cut-off values, a variant classified as likely benign is not then subjected to further curation. The score for this variant resulted in a classification of likely benign for this disease.

ITMI
No classification provided. Condition: AllHighlyPenetrant. Last evaluated: 2013-09-19. Review status: no classification provided. Collection method: reference population. Allele origin: germline. Not counted in ClinVar's aggregate classification.
Comment: Please see associated publication for description of ethnicities

Literature cited by the submitters: PubMed 24728327 (cited by Women's Health and Genetics/Laboratory Corporation of America, LabCorp and ITMI); PubMed 30256826 (cited by Women's Health and Genetics/Laboratory Corporation of America, LabCorp).